The following is an entry in ClinVar:

NM_000170.3(GLDC):c.10T>C (p.Cys4Arg)

Gene: GLDC (glycine decarboxylase; minus strand). Cytogenetic location: 9p24.1.
Variant type: single nucleotide variant.
Coding change: c.10T>C on transcript NM_000170.3 (MANE Select); coding-DNA position 10, T replaced by C.
Protein change: p.Cys4Arg; replaces cysteine 4 with arginine.
Molecular consequence: missense variant.
Genome position (GRCh38, 1-based): chr9:6,645,490, A>G on the plus strand (T>C on the coding strand, the complement: GLDC is on the minus strand). VCF-style: chr9-6645490-A-G. GRCh37 (hg19) VCF-style: chr9-6645490-A-G.
Other names: short protein forms C4R.
Identifiers: ClinVar variation 1423589 (VCV001423589.6), dbSNP rs2130033101, ClinGen allele CA372887658.

ClinVar aggregate classification (germline): Uncertain significance (1 of 4 stars; one submission).

Conditions:
Glycine encephalopathy. Also called: Nonketotic hyperglycinemia; Non-ketotic hyperglycinemia. Identifiers: Orphanet 407, MedGen C0751748, MONDO:0011612, HP:0008288.

Submission:

Labcorp Genetics (formerly Invitae), Labcorp
Classification: Uncertain significance for Glycine encephalopathy. Last evaluated: 2021-11-14. Review status: criteria provided, single submitter. Criteria: Invitae Variant Classification Sherloc (09022015). Collection method: clinical testing. Allele origin: germline.
Comment: In summary, the available evidence is currently insufficient to determine the role of this variant in disease. Therefore, it has been classified as a Variant of Uncertain Significance. Algorithms developed to predict the effect of missense changes on protein structure and function are either unavailable or do not agree on the potential impact of this missense change (SIFT: "Deleterious"; PolyPhen-2: "Benign"; Align-GVGD: "Class C0"). This variant has not been reported in the literature in individuals affected with GLDC-related conditions. This variant is not present in population databases (gnomAD no frequency). This sequence change replaces cysteine, which is neutral and slightly polar, with arginine, which is basic and polar, at codon 4 of the GLDC protein (p.Cys4Arg).